The following is an entry in ClinVar:

NM_022437.3(ABCG8):c.1782C>T (p.Ser594=)

Gene: ABCG8 (ATP binding cassette subfamily G member 8; plus strand). Cytogenetic location: 2p21.
Variant type: single nucleotide variant.
Coding change: c.1782C>T on transcript NM_022437.3 (MANE Select); coding-DNA position 1782, C replaced by T.
Protein change: p.Ser594=; no amino-acid change (serine 594 retained).
Molecular consequence: synonymous variant.
Genome position (GRCh38, 1-based): chr2:43,877,586, C>T. VCF-style: chr2-43877586-C-T. GRCh37 (hg19) VCF-style: chr2-44104725-C-T.
Other names: p.Ser594=; c.1779C>T, p.Ser593= (NM_001357321.2).
Identifiers: ClinVar variation 336090 (VCV000336090.22), dbSNP rs139835626, ClinGen allele CA1637663.

ClinVar aggregate classification (germline): Benign/Likely benign. Review status: criteria provided, multiple submitters, no conflicts (2 of 4 stars). 6 submissions from 6 submitters: Benign (4); Likely benign (2). Last evaluated 2026-01-08.

Conditions:
Sitosterolemia 1. Identifiers: MedGen C2749759, MONDO:0020747, OMIM 210250.
Cardiovascular phenotype. Identifiers: MedGen CN230736.

Allele frequency attached by ClinVar (database versions not stated): gnomAD 0.00357 and 0.00382; ESP Exome Variant Server 0.00408; TOPMed 0.00423; 1000 Genomes Project 0.00479; 1000 Genomes Project 30x 0.00531.
gnomAD v4.1: 1,049 of 1,614,096 alleles (0.065%); highest among the groups gnomAD compares: African/African-American, 1.1%; 7 homozygotes.

Submissions (6):

Labcorp Genetics (formerly Invitae), Labcorp
Classification: Benign. Last evaluated: 2026-01-08. Review status: criteria provided, single submitter. Criteria: Invitae Variant Classification Sherloc (09022015). Collection method: clinical testing. Allele origin: germline.

Mayo Clinic Laboratories, Mayo Clinic
Classification: Benign. Last evaluated: 2025-08-27. Review status: criteria provided, single submitter. Criteria: ACMG Guidelines, 2015. Collection method: clinical testing. Allele origin: germline. Observed: 6 variant alleles.
Comment: BS1, BS2, BP4, BP7

Women's Health and Genetics/Laboratory Corporation of America, LabCorp
Classification: Likely benign. Last evaluated: 2023-07-18. Review status: criteria provided, single submitter. Criteria: LabCorp Variant Classification Summary - May 2015. Collection method: clinical testing. Allele origin: germline.

Ambry Genetics
Classification: Benign for Cardiovascular phenotype. Last evaluated: 2022-07-19. Review status: criteria provided, single submitter. Criteria: Ambry Variant Classification Scheme 2023. Collection method: clinical testing. Allele origin: germline.

Genetic Services Laboratory, University of Chicago
Classification: Benign. Last evaluated: 2021-10-08. Review status: criteria provided, single submitter. Criteria: ACMG Guidelines, 2015. Collection method: clinical testing. Allele origin: germline. Affected: no.

Illumina Laboratory Services, Illumina
Classification: Likely benign for Sitosterolemia 1. Last evaluated: 2018-01-13. Review status: criteria provided, single submitter. Criteria: ICSL Variant Classification Criteria 13 December 2019. Collection method: clinical testing. Allele origin: germline.
Comment: This variant was observed in the ICSL laboratory as part of a predisposition screen in an ostensibly healthy population. It had not been previously curated by ICSL or reported in the Human Gene Mutation Database (HGMD: prior to June 1st, 2018), and was therefore a candidate for classification through an automated scoring system. Utilizing variant allele frequency, disease prevalence and penetrance estimates, and inheritance mode, an automated score was calculated to assess if this variant is too frequent to cause the disease. Based on the score and internal cut-off values, a variant classified as likely benign is not then subjected to further curation. The score for this variant resulted in a classification of likely benign for this disease.